The following is an entry in ClinVar:

ClinVar aggregate classification (germline): Uncertain significance (1 of 4 stars; one submission).

gnomAD v4.1: 14 of 1,613,968 alleles (0.00087%); highest among the groups gnomAD compares: Non-Finnish European, 0.0011%; no homozygotes.

Submission:

Mayo Clinic Laboratories, Mayo Clinic
Classification: Uncertain significance. Last evaluated: 2025-10-07. Review status: criteria provided, single submitter. Criteria: ACMG Guidelines, 2015. Collection method: clinical testing. Allele origin: germline. Observed: 1 variant allele.
Comment: BP4_moderate

NM_001701.4(BAAT):c.323A>G (p.Tyr108Cys)

Gene: BAAT (bile acid-CoA:amino acid N-acyltransferase; minus strand). Cytogenetic location: 9q31.1.
Variant type: single nucleotide variant.
Coding change: c.323A>G on transcript NM_001701.4 (MANE Select); coding-DNA position 323, A replaced by G.
Protein change: p.Tyr108Cys; replaces tyrosine 108 with cysteine.
Molecular consequence: missense variant.
Genome position (GRCh38, 1-based): chr9:101,371,082, T>C on the plus strand (A>G on the coding strand, the complement: BAAT is on the minus strand). VCF-style: chr9-101371082-T-C. GRCh37 (hg19) VCF-style: chr9-104133364-T-C.
Other names: p.Tyr108Cys; c.323A>G, p.Tyr108Cys (NM_001127610.2, NM_001374715.1); short protein forms Y108C.
Identifiers: ClinVar variation 4541456 (VCV004541456.1).